The following is an entry in ClinVar:

ClinVar aggregate classification (germline): Uncertain significance (1 of 4 stars; one submission).

Conditions:
Myopathy, lactic acidosis, and sideroblastic anemia 1 (MLASA1). Identifiers: Orphanet 2598, MedGen C4551958, MONDO:0024553, OMIM 600462.

gnomAD v4.1: 40 of 1,560,376 alleles (0.0026%); highest among the groups gnomAD compares: Non-Finnish European, 0.00017%; 1 homozygote.

Submission:

St. Jude Molecular Pathology, St. Jude Children's Research Hospital
Classification: Uncertain significance for Myopathy, lactic acidosis, and sideroblastic anemia 1. Last evaluated: 2026-10-01. Review status: criteria provided, single submitter. Criteria: St. Jude Assertion Criteria 2020. Collection method: clinical testing. Allele origin: germline.
Comment: The PUS1 c.463G>A p.(Val155Met) missense change has a maximum subpopulation frequency of 0.001% in gnomAD v2.1.1. The in silico tool REVEL is inconclusive about a pathogenic or benign ef fect of this variant on protein function, and to our knowledge functional studies have not been performed. To our knowledge this variant has not been reported in the literature in individuals with PUS1-assoicated conditions. In summary, the evidence cur rently available is insufficient to determine the clinical significance of this variant. It has therefore been classified as of uncertain significance (VUS-Low).

NM_025215.6(PUS1):c.463G>A (p.Val155Met)

Gene: PUS1 (pseudouridine synthase 1; plus strand). Cytogenetic location: 12q24.33.
Variant type: single nucleotide variant.
Coding change: c.463G>A on transcript NM_025215.6 (MANE Select); coding-DNA position 463, G replaced by A.
Protein change: p.Val155Met; replaces valine 155 with methionine.
Molecular consequence: missense variant.
Genome position (GRCh38, 1-based): chr12:131,939,194, G>A. VCF-style: chr12-131939194-G-A. GRCh37 (hg19) VCF-style: chr12-132423739-G-A.
Other names: c.379G>A, p.Val127Met (NM_001002019.3, NM_001002020.3); short protein forms V127M, V155M.
Identifiers: ClinVar variation 5043400 (VCV005043400.1).